The following is an entry in ClinVar:

ClinVar aggregate classification (germline): Likely benign. Review status: criteria provided, multiple submitters, no conflicts (2 of 4 stars). 3 submissions from 3 submitters: Likely benign (3). Last evaluated 2026-01-05.

Conditions:
Inborn genetic diseases. Identifiers: MedGen C0950123, MeSH D030342.

Allele frequency attached by ClinVar (database versions not stated): gnomAD 0.00003; TOPMed 0.00012; ExAC 0.00062; ESP Exome Variant Server 0.00008.

Submissions (3):

Labcorp Genetics (formerly Invitae), Labcorp
Classification: Likely benign. Last evaluated: 2026-01-05. Review status: criteria provided, single submitter. Criteria: Invitae Variant Classification Sherloc (09022015). Collection method: clinical testing. Allele origin: germline.

Ambry Genetics
Classification: Likely benign for Inborn genetic diseases. Last evaluated: 2021-07-13. Review status: criteria provided, single submitter. Criteria: Ambry Variant Classification Scheme 2023. Collection method: clinical testing. Allele origin: germline.

GeneDx
Classification: Likely benign. Last evaluated: 2014-06-24. Review status: criteria provided, single submitter. Criteria: GeneDx Variant Classification (06012015). Collection method: clinical testing. Allele origin: germline. Affected: yes.
Comment: This variant is considered likely benign or benign based on one or more of the following criteria: it is a conservative change, it occurs at a poorly conserved position in the protein, it is predicted to be benign by multiple in silico algorithms, and/or has population frequency not consistent with disease.

NM_032380.5(GFM2):c.2020G>A (p.Val674Met)

Gene: GFM2 (GTP dependent ribosome recycling factor mitochondrial GFM2; minus strand). Cytogenetic location: 5q13.3.
Variant type: single nucleotide variant.
Coding change: c.2020G>A on transcript NM_032380.5 (MANE Select); coding-DNA position 2020, G replaced by A.
Protein change: p.Val674Met; replaces valine 674 with methionine.
Molecular consequence: missense variant. On other transcripts: non-coding transcript variant (1).
Genome position (GRCh38, 1-based): chr5:74,725,648, C>T on the plus strand (G>A on the coding strand, the complement: GFM2 is on the minus strand). VCF-style: chr5-74725648-C-T. GRCh37 (hg19) VCF-style: chr5-74021473-C-T.
Other names: p.V674M:GTG>ATG; c.2116G>A, p.Val706Met (NM_001281302.2); c.1879G>A, p.Val627Met (NM_170691.3); short protein forms V674M, V627M, V706M.
Identifiers: ClinVar variation 214506 (VCV000214506.12), dbSNP rs367960522, ClinGen allele CA322503.